The following is an entry in ClinVar:

NM_005476.7(GNE):c.46A>G (p.Thr16Ala)

Gene: GNE (glucosamine (UDP-N-acetyl)-2-epimerase/N-acetylmannosamine kinase; minus strand). Cytogenetic location: 9p13.3.
Variant type: single nucleotide variant.
Coding change: c.46A>G on transcript NM_005476.7 (MANE Select); coding-DNA position 46, A replaced by G.
Protein change: p.Thr16Ala; replaces threonine 16 with alanine.
Molecular consequence: missense variant. On other transcripts: intron variant (3).
Genome position (GRCh38, 1-based): chr9:36,249,310, T>C on the plus strand (A>G on the coding strand, the complement: GNE is on the minus strand). VCF-style: chr9-36249310-T-C. GRCh37 (hg19) VCF-style: chr9-36249307-T-C.
Other names: c.139A>G, p.Thr47Ala (NM_001128227.3); c.46A>G, p.Thr16Ala (NM_001190383.3, NM_001374797.1); c.-13-2828A>G (NM_001190388.2, NM_001190384.3, NM_001374798.1); short protein forms T16A, T47A.
Identifiers: ClinVar variation 1915559 (VCV001915559.5), dbSNP rs2489810512, ClinGen allele CA373422066.
Genomic context (GRCh38, chr9:36,249,310, plus strand): 5'-GTTCGGTTTTAATGCCAAACATGATCGGGGCAAGTTTAGAATAATCTGCACGGTTACAAG[T>C]AGCAACACAAACCCGCAGCTTTCGGTTATTTCCATTCTTCTCCATGATTTGCTTGTTTCG-3'
Protein context (NP_005467.1, residues 6-26): NNRKLRVCVA[Thr16Ala]CNRADYSKLA

ClinVar aggregate classification (germline): Uncertain significance (1 of 4 stars; one submission).

Conditions:
Sialuria. Also called: Sialic Acid Storage Disease; SIALURIA, FRENCH TYPE. Identifiers: Orphanet 3166, MedGen C0342853, MONDO:0010028, OMIM 269921.
GNE myopathy (NM). Also called: MYOPATHY, DISTAL, WITH OR WITHOUT RIMMED VACUOLES; INCLUSION BODY MYOPATHY, HEREDITARY, AUTOSOMAL RECESSIVE; INCLUSION BODY MYOPATHY 2, AUTOSOMAL RECESSIVE; IBM 2; Inclusion body myopathy autosomal recessive; Inclusion body myopathy quadriceps sparing. Identifiers: Orphanet 602, MedGen C1853926, MONDO:0011603, OMIM 605820.

Submission:

Labcorp Genetics (formerly Invitae), Labcorp
Classification: Uncertain significance for Sialuria; GNE myopathy. Last evaluated: 2025-04-28. Review status: criteria provided, single submitter. Criteria: Invitae Variant Classification Sherloc (09022015). Collection method: clinical testing. Allele origin: germline.
Comment: This sequence change replaces threonine, which is neutral and polar, with alanine, which is neutral and non-polar, at codon 47 of the GNE protein (p.Thr47Ala). This variant is not present in population databases (gnomAD no frequency). This variant has not been reported in the literature in individuals affected with GNE-related conditions. ClinVar contains an entry for this variant (Variation ID: 1915559). Invitae Evidence Modeling of protein sequence and biophysical properties (such as structural, functional, and spatial information, amino acid conservation, physicochemical variation, residue mobility, and thermodynamic stability) has been performed for this missense variant. However, the output from this modeling did not meet the statistical confidence thresholds required to predict the impact of this variant on GNE protein function. In summary, the available evidence is currently insufficient to determine the role of this variant in disease. Therefore, it has been classified as a Variant of Uncertain Significance.